The following is an entry in ClinVar:

ClinVar aggregate classification (germline): Uncertain significance (1 of 4 stars; one submission).

Conditions:
Generalized epilepsy with febrile seizures plus, type 7 (GEFSP7). Also called: GEFS+, TYPE 7. Identifiers: Orphanet 36387, MedGen C2751778, MONDO:0013470, OMIM 613863.
Neuropathy, hereditary sensory and autonomic, type 2A (HSAN2A). Also called: HSAN IIA; ACROOSTEOLYSIS, GIACCAI TYPE; ACROOSTEOLYSIS, NEUROGENIC; WNK1-Related HSAN2 (HSAN2A); MORVAN DISEASE; NEUROPATHY, CONGENITAL SENSORY. Identifiers: Orphanet 970, MedGen C2752089, MONDO:0024309, OMIM 201300.

Submission:

Labcorp Genetics (formerly Invitae), Labcorp
Classification: Uncertain significance for Neuropathy, hereditary sensory and autonomic, type 2A; Generalized epilepsy with febrile seizures plus, type 7. Last evaluated: 2022-11-22. Review status: criteria provided, single submitter. Criteria: Invitae Variant Classification Sherloc (09022015). Collection method: clinical testing. Allele origin: germline.
Comment: Advanced modeling of protein sequence and biophysical properties (such as structural, functional, and spatial information, amino acid conservation, physicochemical variation, residue mobility, and thermodynamic stability) has been performed at Invitae for this missense variant, however the output from this modeling did not meet the statistical confidence thresholds required to predict the impact of this variant on SCN9A protein function. In summary, the available evidence is currently insufficient to determine the role of this variant in disease. Therefore, it has been classified as a Variant of Uncertain Significance. This variant has not been reported in the literature in individuals affected with SCN9A-related conditions. This sequence change replaces aspartic acid, which is acidic and polar, with asparagine, which is neutral and polar, at codon 1499 of the SCN9A protein (p.Asp1499Asn). This variant is not present in population databases (gnomAD no frequency).

NM_001365536.1(SCN9A):c.4528G>A (p.Asp1510Asn)

Genes: SCN9A (sodium voltage-gated channel alpha subunit 9; minus strand), SCN1A-AS1 (SCN1A and SCN9A antisense RNA 1; plus strand). Cytogenetic location: 2q24.3.
Variant type: single nucleotide variant.
Coding change: c.4528G>A on transcript NM_001365536.1 (MANE Select); coding-DNA position 4528, G replaced by A.
Protein change: p.Asp1510Asn; replaces aspartic acid 1510 with asparagine.
Molecular consequence: missense variant.
Genome position (GRCh38, 1-based): chr2:166,204,201, C>T on the plus strand (G>A on the coding strand, the complement: SCN9A is on the minus strand). VCF-style: chr2-166204201-C-T. GRCh37 (hg19) VCF-style: chr2-167060711-C-T.
Other names: c.4495G>A, p.Asp1499Asn (NM_002977.4); short protein forms D1499N, D1510N.
Identifiers: ClinVar variation 2152225 (VCV002152225.4), dbSNP rs2468896135, ClinGen allele CA349058021.
Genomic context (GRCh38, chr2:166,204,201, plus strand): 5'-CCATGTTGAGACAGATAAGAACCATGATACTAATATCAAAGGCTTGATTTGTCACTAGGT[C>T]AAATATACATCCTTGGATTTTGTTCTGCAAAGAAATAAGAATAATATCGAATGCAGAGTA-3'
Protein context (NP_001352465.1, residues 1500-1520): PGNKIQGCIF[Asp1510Asn]LVTNQAFDIS